The following is an entry in ClinVar:

ClinVar aggregate classification (germline): Pathogenic. Review status: criteria provided, multiple submitters, no conflicts (2 of 4 stars). 6 submissions from 6 submitters: Pathogenic (4). 2 of the submissions do not count toward it. Last evaluated 2025-07-01.

Conditions:
Charcot-Marie-Tooth disease axonal type 2V. Also called: CHARCOT-MARIE-TOOTH NEUROPATHY, TYPE 2V; CHARCOT-MARIE-TOOTH DISEASE, AXONAL, AUTOSOMAL DOMINANT, TYPE 2V. Identifiers: Orphanet 447964, MedGen C5569050, MONDO:0014665, OMIM 616491.
Mucopolysaccharidosis, MPS-III-B (MPS3B). Also called: MPS III B; Mucopolysaccharidosis type IIIB (Sanfilippo B); SANFILIPPO SYNDROME B; MUCOPOLYSACCHARIDOSIS, TYPE IIIB; MPS IIIB (Sanfilippo Syndrome Type B); N-ACETYL-ALPHA-D-GLUCOSAMINIDASE DEFICIENCY. Identifiers: Orphanet 79270, MedGen C0086648, MONDO:0009656, OMIM 252920.

Allele frequency attached by ClinVar (database versions not stated): TOPMed 0.00002; gnomAD 0.00001; gnomAD exomes 0.00001 and 0.00003; ExAC 0.00002.
gnomAD v4.1: 22 of 1,613,892 alleles (0.0014%); highest among the groups gnomAD compares: Admixed American, 0.013%; no homozygotes.

Submissions (6):

Labcorp Genetics (formerly Invitae), Labcorp
Classification: Pathogenic for Charcot-Marie-Tooth disease axonal type 2V; Mucopolysaccharidosis, MPS-III-B. Last evaluated: 2025-07-01. Review status: criteria provided, single submitter. Criteria: Invitae Variant Classification Sherloc (09022015). Collection method: clinical testing. Allele origin: germline.
Comment: This sequence change replaces arginine, which is basic and polar, with cysteine, which is neutral and slightly polar, at codon 234 of the NAGLU protein (p.Arg234Cys). This variant is present in population databases (rs104894601, gnomAD 0.02%). This missense change has been observed in individual(s) with NAGLU-related conditions (PMID: 9832037, 11286389, 18218046, 23380547, 30070758). It has also been observed to segregate with disease in related individuals. ClinVar contains an entry for this variant (Variation ID: 1572). Invitae Evidence Modeling of protein sequence and biophysical properties (such as structural, functional, and spatial information, amino acid conservation, physicochemical variation, residue mobility, and thermodynamic stability) indicates that this missense variant is expected to disrupt NAGLU protein function with a positive predictive value of 95%. For these reasons, this variant has been classified as Pathogenic.

Dasa
Classification: Pathogenic for Mucopolysaccharidosis, MPS-III-B. Last evaluated: 2022-03-25. Review status: criteria provided, single submitter. Criteria: ACMG Guidelines, 2015. Collection method: clinical testing. Allele origin: germline. Affected: yes. Observed: 1 variant allele.
Comment: The c.700C>T;p.(Arg234Cys) missense change has been observed in affected individual(s) and ClinVar contains an entry for this variant (ClinVar ID: 1572; PMID: 9832037; PMID: 30070758; PMID: 11286389; PMID: 18218046; PMID: 23380547) -PS4. The variant is located in a mutational hot spot and/or critical and well-established functional domain (NAGLU) - PM1. The variant is present at low allele frequencies population databases (rs104894601 – gnomAD 0.0003188%; ABraOM no frequency.) - PM2_supporting. The p.(Arg234Cys) was detected in trans with a pathogenic variant (PMID: 11286389; PMID: 30070758) - PM3. Multiple lines of computational evidence support a deleterious effect on the gene or gene product - PP3. In summary, the currently available evidence indicates that the variant is pathogenic

Mendelics
Classification: Pathogenic for Mucopolysaccharidosis, MPS-III-B. Last evaluated: 2019-05-28. Review status: criteria provided, single submitter. Criteria: Mendelics Assertion Criteria 2017. Collection method: clinical testing. Allele origin: unknown.

Women's Health and Genetics/Laboratory Corporation of America, LabCorp
Classification: Pathogenic for Mucopolysaccharidosis, MPS-III-B. Last evaluated: 2017-11-20. Review status: criteria provided, single submitter. Criteria: LabCorp Variant Classification Summary - May 2015. Collection method: clinical testing. Allele origin: germline.
Comment: Variant summary: The NAGLU c.700C>T (p.Arg234Cys) variant located in the alpha-n-acetylglucosaminidase, tim-barrel domain (via InterPro) involves the alteration of a conserved nucleotide and 4/4 in silico tools predict a damaging outcome for this variant (SNPsandGO not captured due to low reliability index). This variant was found in 10/276804 control chromosomes (gnomAD and publication controls) at a frequency of 0.0000361, which does not exceed the estimated maximal expected allele frequency of a pathogenic NAGLU variant (0.0025). Multiple publications have cited the variant in compound heterozygote and homozygote MPS IIIB pts and found NAGLU activity to be significantly decreased (Mangas_2008). In addition, a reputable database, OMIM classifies the variant as "pathogenic." Taken together, this variant is classified as pathogenic.

Natera, Inc.
Classification: Pathogenic for Mucopolysaccharidosis type IIIB. Last evaluated: 2020-09-16. Review status: no assertion criteria provided. Collection method: clinical testing. Allele origin: germline. Not counted in ClinVar's aggregate classification.

OMIM
Classification: Pathogenic for MUCOPOLYSACCHARIDOSIS, TYPE IIIB. Last evaluated: 2008-03-01. Review status: no assertion criteria provided. Collection method: literature only. Allele origin: germline. Not counted in ClinVar's aggregate classification.

Literature cited by the submitters: PubMed 9832037 (cited by 4 submitters); PubMed 11286389 (cited by 3 submitters); PubMed 18218046 (cited by 4 submitters); PubMed 23380547 (cited by Labcorp Genetics (formerly Invitae), Labcorp and Dasa); PubMed 30070758 (cited by Labcorp Genetics (formerly Invitae), Labcorp and Dasa).

NM_000263.4(NAGLU):c.700C>T (p.Arg234Cys)

Gene: NAGLU (N-acetyl-alpha-glucosaminidase; plus strand). Cytogenetic location: 17q21.2.
Variant type: single nucleotide variant.
Coding change: c.700C>T on transcript NM_000263.4 (MANE Select); coding-DNA position 700, C replaced by T.
Protein change: p.Arg234Cys; replaces arginine 234 with cysteine.
Molecular consequence: missense variant.
Genome position (GRCh38, 1-based): chr17:42,538,691, C>T. VCF-style: chr17-42538691-C-T. GRCh37 (hg19) VCF-style: chr17-40690709-C-T.
Other names: short protein forms R234C.
Identifiers: ClinVar variation 1572 (VCV000001572.20), dbSNP rs104894601, ClinGen allele CA115055.